The following is an entry in ClinVar:

NM_001348716.2(KDM6B):c.2427C>T (p.Ser809=)

Gene: KDM6B (lysine demethylase 6B; plus strand). Cytogenetic location: 17p13.1.
Variant type: single nucleotide variant.
Coding change: c.2427C>T on transcript NM_001348716.2 (MANE Select); coding-DNA position 2427, C replaced by T.
Protein change: p.Ser809=; no amino-acid change (serine 809 retained).
Molecular consequence: synonymous variant.
Genome position (GRCh38, 1-based): chr17:7,848,715, C>T. VCF-style: chr17-7848715-C-T. GRCh37 (hg19) VCF-style: chr17-7752033-C-T.
Other names: c.2427C>T, p.Ser809= (NM_001080424.2).
Identifiers: ClinVar variation 3048164 (VCV003048164.2), dbSNP rs144844808, ClinGen allele CA8360904.

ClinVar aggregate classification (germline): Likely benign (0 of 4 stars; one submission).

Conditions:
KDM6B-related disorder. Also called: KDM6B-related condition.

Allele frequency attached by ClinVar (database versions not stated): gnomAD 0.00007; TOPMed 0.00007; ESP Exome Variant Server 0.00008; ExAC 0.00014; 1000 Genomes Project 30x 0.00016; 1000 Genomes Project 0.00020.
gnomAD v4.1: 98 of 1,612,944 alleles (0.0061%); highest among the groups gnomAD compares: East Asian, 0.15%; 1 homozygote.

Submission:

PreventionGenetics, part of Exact Sciences
Classification: Likely benign for KDM6B-related condition. Last evaluated: 2019-12-16. Review status: no assertion criteria provided. Collection method: clinical testing. Allele origin: germline.
Comment: This variant is classified as likely benign based on ACMG/AMP sequence variant interpretation guidelines (Richards et al. 2015 PMID: 25741868, with internal and published modifications).